The following is an entry in ClinVar:

NM_000080.4(CHRNE):c.452_454del (p.Glu151del)

Genes: C17orf107 (chromosome 17 open reading frame 107; plus strand), CHRNE (cholinergic receptor nicotinic epsilon subunit; minus strand). Cytogenetic location: 17p13.2.
Variant type: Deletion.
Coding change: c.452_454del on transcript NM_000080.4 (MANE Select); coding-DNA positions 452 to 454, 3 bases deleted (AGG; older notation c.452_454delAGG).
Protein change: p.Glu151del; deletes glutamic acid 151.
Molecular consequence: inframe deletion. On other transcripts: 3 prime UTR variant (1).
Genome position (GRCh38, 1-based): chr17:4,901,978-4,901,980, CCT deleted on the plus strand (AGG on the coding strand, the reverse complement: CHRNE is on the minus strand); deleting any 3 consecutive bases within chr17:4,901,978-4,901,982 gives the same sequence; the c. name uses the placement nearest the transcript's 3' end. VCF-style (leftmost placement, unchanged base first): chr17-4901977-ACCT-A. GRCh37 (hg19) VCF-style: chr17-4805272-ACCT-A.
Other names: c.*1447_*1449del (NM_001145536.2); c.452_454delAGG (NM_000080.3); short protein forms E151del.
Identifiers: ClinVar variation 1526117 (VCV001526117.8), dbSNP rs2151098283, ClinGen allele CA2573153000.
Genomic context (GRCh38, chr17:4,901,977, plus strand): 5'-AGTAGCTCTTCCCACCGGAAAATAAGCGAACAGTTCTGCCAATCGAAGGGGAAGTAGGTG[ACCT>A]CCACTGCGCAGACGCTGCGGTAGATGGCCGGAGGCAGCCACGTCACGGAGCCGCCCTCGT-3'

ClinVar aggregate classification (germline): Conflicting classifications of pathogenicity. Review status: criteria provided, conflicting classifications (1 of 4 stars). 5 submissions from 5 submitters: Pathogenic (1); Likely pathogenic (3); Uncertain significance (1). Last evaluated 2025-08-28.

Conditions:
Congenital myasthenic syndrome (CMS). Also called: Congenital Myasthenic Syndromes. Identifiers: Orphanet 590, MedGen C0751882, MeSH D020294, MONDO:0018940.
Congenital myasthenic syndrome 4A. Also called: CONGENITAL MYASTHENIC SYNDROME TYPE Ia1; Myasthenic syndrome, congenital, 4a, slow-channel; MYASTHENIC SYNDROME, CONGENITAL, 4A, SLOW-CHANNEL, AUTOSOMAL RECESSIVE. Identifiers: Orphanet 590, MedGen C4225413, MONDO:0011600, OMIM 605809.

Submissions (5):

Natera, Inc.
Classification: Likely pathogenic for Congenital myasthenic syndrome. Last evaluated: 2025-08-28. Review status: criteria provided, single submitter. Criteria: Natera Variant Classification Schema (03/2026). Collection method: clinical testing. Allele origin: germline.
Comment: The c.452_454delAGG variant in CHRNE is an in-frame deletion predicted to remove glutamic acid at amino acid 151 while preserving the reading frame. This variant is rare in the general population with a frequency below the threshold expected for the associated phenotype(s). This variant has been observed in one or more individuals affected with the associated recessive disease, as either homozygous or compound heterozygous with a second variant (PMID: 39948634, 36099689, 29395675, 31773638). Additionally, this variant has been observed to segregate in affected family members (PMID: 39948634). This variant results in a change to the protein length while preserving reading frame, which may disrupt normal protein structure or function. Computational prediction algorithms indicate this variant is likely to affect gene or protein function. Given the available evidence, this variant is classified as Likely Pathogenic.

Labcorp Genetics (formerly Invitae), Labcorp
Classification: Uncertain significance for Congenital myasthenic syndrome 4A. Last evaluated: 2024-12-29. Review status: criteria provided, single submitter. Criteria: Invitae Variant Classification Sherloc (09022015). Collection method: clinical testing. Allele origin: germline.
Comment: This variant, c.452_454del, results in the deletion of 1 amino acid(s) of the CHRNE protein (p.Glu151del), but otherwise preserves the integrity of the reading frame. This variant is not present in population databases (gnomAD no frequency). This variant has been observed in individual(s) with congenital myasthenic syndrome (PMID: 31773638, 36099689). ClinVar contains an entry for this variant (Variation ID: 1526117). Experimental studies and prediction algorithms are not available or were not evaluated, and the functional significance of this variant is currently unknown. In summary, the available evidence is currently insufficient to determine the role of this variant in disease. Therefore, it has been classified as a Variant of Uncertain Significance.

3billion
Classification: Likely pathogenic for Congenital myasthenic syndrome 4A. Last evaluated: 2024-06-28. Review status: criteria provided, single submitter. Criteria: ACMG Guidelines, 2015. Collection method: clinical testing. Allele origin: germline. Affected: yes. Observed: 1 homozygote.
Comment: Inframe deletion located in a nonrepeat region: predicted to change the length of the protein and disrupt normal protein function. This variant has been previously reported to be associated with Myasthenic syndrome, congenital (PMID:31773638). It is not observed in the gnomAD v2.1.1 dataset. Therefore, this variant is classified as likely pathogenic according to the recommendation of ACMG/AMP guideline.

Baylor Genetics
Classification: Likely pathogenic for Congenital myasthenic syndrome 4A. Last evaluated: 2023-11-11. Review status: criteria provided, single submitter. Criteria: ACMG Guidelines, 2015. Collection method: clinical testing. Allele origin: unknown.

Women's Health and Genetics/Laboratory Corporation of America, LabCorp
Classification: Pathogenic for Congenital myasthenic syndrome. Last evaluated: 2023-07-17. Review status: criteria provided, single submitter. Criteria: LabCorp Variant Classification Summary - May 2015. Collection method: clinical testing. Allele origin: germline.
Comment: Variant summary: CHRNE c.452_454delAGG (p.Glu151del) results in an in-frame deletion that is predicted to remove one amino acid from the Neurotransmitter-gated ion-channel ligand-binding domain of the encoded protein. The variant was absent in 250524 control chromosomes (gnomAD). c.452_454delAGG has been reported in the literature in individuals affected with Congenital Myasthenic Syndrome (examples: Durmus_2018, Gul Mert_2021, and Ozturk_2022). These data indicate that the variant is likely to be associated with disease. To our knowledge, no experimental evidence demonstrating an impact on protein function has been reported. The following publications have been ascertained in the context of this evaluation (PMID: 22678886, 32727330, 31773638, 36099689). One submitter has cited clinical-significance assessments for this variant to ClinVar after 2014 and has classified the variant as uncertain significance. Based on the evidence outlined above, the variant was classified as pathogenic.

Literature cited by the submitters: PubMed 39948634 (cited by Natera, Inc.); PubMed 36099689 (cited by 3 submitters); PubMed 29395675 (cited by Natera, Inc.); PubMed 31773638 (cited by 3 submitters); PubMed 22678886 (cited by Women's Health and Genetics/Laboratory Corporation of America, LabCorp); PubMed 32727330 (cited by Women's Health and Genetics/Laboratory Corporation of America, LabCorp).